The following is an entry in ClinVar:

NM_001252102.2(KIF21B):c.3079C>A (p.Leu1027Met)

Gene: KIF21B (kinesin family member 21B; minus strand). Cytogenetic location: 1q32.1.
Variant type: single nucleotide variant.
Coding change: c.3079C>A on transcript NM_001252102.2 (MANE Select); coding-DNA position 3079, C replaced by A.
Protein change: p.Leu1027Met; replaces leucine 1027 with methionine.
Molecular consequence: missense variant.
Genome position (GRCh38, 1-based): chr1:200,989,995, G>T on the plus strand (C>A on the coding strand, the complement: KIF21B is on the minus strand). VCF-style: chr1-200989995-G-T. GRCh37 (hg19) VCF-style: chr1-200959123-G-T.
Other names: c.3079C>A, p.Leu1027Met (NM_001252100.2, NM_001252103.2, NM_017596.4); c.3079C>A (NM_017596.3); short protein forms L1027M.
Identifiers: ClinVar variation 2236542 (VCV002236542.3), dbSNP rs2465164774, ClinGen allele CA344131458.
Genomic context (GRCh38, chr1:200,989,995, plus strand): 5'-AGCTTACCTTGTCAATGGATGCCTTGAGGAAGTTGTCTAGCAGGAGGCGGGCTTCAGCCA[G>T]GGAGCAGGAGCTGATGACCACGGATGTGTCTGTGGAGTCCAGCTCCTCCTAGGACCGGGA-3'
Protein context (NP_001239031.1, residues 1017-1037): DTSVVISSCS[Leu1027Met]AEARLLLDNF

ClinVar aggregate classification (germline): Uncertain significance. Review status: criteria provided, multiple submitters, no conflicts (2 of 4 stars). 2 submissions from 2 submitters: Uncertain significance (2). Last evaluated 2023-03-24.

Submissions (2):

GeneDx
Classification: Uncertain significance. Last evaluated: 2023-03-24. Review status: criteria provided, single submitter. Criteria: GeneDx Variant Classification Process June 2021. Collection method: clinical testing. Allele origin: germline. Affected: yes.
Comment: Not observed at significant frequency in large population cohorts (gnomAD); In silico analysis supports that this missense variant does not alter protein structure/function; Has not been previously published as pathogenic or benign to our knowledge

Ambry Genetics
Classification: Uncertain significance. Last evaluated: 2021-07-13. Review status: criteria provided, single submitter. Criteria: Ambry Variant Classification Scheme 2023. Collection method: clinical testing. Allele origin: germline.